The following is an entry in ClinVar:

ClinVar aggregate classification (germline): Pathogenic (1 of 4 stars; one submission).

Conditions:
Primary ciliary dyskinesia. Also called: Ciliary dyskinesia. Identifiers: Orphanet 244, MedGen C0008780, MONDO:0016575, HP:0012265.

gnomAD v4.1: 1 of 1,614,196 alleles (0.000062%); highest among the groups gnomAD compares: Non-Finnish European, 0.000085%; no homozygotes.

Submission:

Labcorp Genetics (formerly Invitae), Labcorp
Classification: Pathogenic for Primary ciliary dyskinesia. Last evaluated: 2025-06-29. Review status: criteria provided, single submitter. Criteria: Invitae Variant Classification Sherloc (09022015). Collection method: clinical testing. Allele origin: germline.
Comment: This sequence change creates a premature translational stop signal (p.Lys360*) in the DRC1 gene. It is expected to result in an absent or disrupted protein product. Loss-of-function variants in DRC1 are known to be pathogenic (PMID: 23354437, 31960620). This variant is not present in population databases (gnomAD no frequency). This variant has not been reported in the literature in individuals affected with DRC1-related conditions. Algorithms developed to predict the effect of sequence changes on RNA splicing suggest that this variant may disrupt the consensus splice site. For these reasons, this variant has been classified as Pathogenic.

Literature cited by the submitters: PubMed 23354437; PubMed 31960620.

NM_145038.5(DRC1):c.1078A>T (p.Lys360Ter)

Gene: DRC1 (dynein regulatory complex subunit 1; plus strand). Cytogenetic location: 2p23.3.
Variant type: single nucleotide variant.
Coding change: c.1078A>T on transcript NM_145038.5 (MANE Select); coding-DNA position 1078, A replaced by T.
Protein change: p.Lys360Ter; replaces lysine 360 with a stop codon.
Molecular consequence: nonsense.
Genome position (GRCh38, 1-based): chr2:26,444,271, A>T. VCF-style: chr2-26444271-A-T. GRCh37 (hg19) VCF-style: chr2-26667139-A-T.
Other names: short protein forms K360*.
Identifiers: ClinVar variation 4722330 (VCV004722330.1).
Genomic context (GRCh38, chr2:26,444,271, plus strand): 5'-CCTTCAACCAGCCTGCATGATATACTTAACAATCTGAGATCAAAATATGCCAAGCAAATA[A>T]AGCAGTTTCAGGAGGAGAACCAGTCTCTAACCTCGGACTACAAACGTCTTGTGATGCAAT-3'